The following is an entry in ClinVar:

NM_017838.4(NHP2):c.231G>C (p.Gly77=)

Gene: NHP2 (NHP2 ribonucleoprotein; minus strand). Cytogenetic location: 5q35.3.
Variant type: single nucleotide variant.
Coding change: c.231G>C on transcript NM_017838.4 (MANE Select); coding-DNA position 231, G replaced by C.
Protein change: p.Gly77=; no amino-acid change (glycine 77 retained).
Molecular consequence: synonymous variant. On other transcripts: intron variant (1).
Genome position (GRCh38, 1-based): chr5:178,150,993, C>G on the plus strand (G>C on the coding strand, the complement: NHP2 is on the minus strand). VCF-style: chr5-178150993-C-G. GRCh37 (hg19) VCF-style: chr5-177577994-C-G.
Other names: c.231G>C, p.Gly77= (NM_001396110.1); c.231-1155G>C (NM_001034833.2).
Identifiers: ClinVar variation 2865048 (VCV002865048.3), dbSNP rs2480684050, ClinGen allele CA448003336.
Genomic context (GRCh38, chr5:178,150,993, plus strand): 5'-CATGACTGGGAGATGGCAGTATACCTCAATGGGCAGTGTGTCTCCTGCCAAAACCATGAT[C>G]CTGAAATGAGAGAAAACACTGTCATCTCTGGCTTGCTCCTTCCTTCTTTCAGTTTTAAGT-3'
Protein context (NP_060308.1, residues 67-87): VQKFVNKGEK[Gly77=]IMVLAGDTLP

ClinVar aggregate classification (germline): Uncertain significance (1 of 4 stars; one submission).

Conditions:
Dyskeratosis congenita. Identifiers: Orphanet 1775, MedGen C0265965, MONDO:0015780.

gnomAD v4.1: 1 of 1,611,644 alleles (0.000062%); highest among the groups gnomAD compares: Non-Finnish European, 0.000085%; no homozygotes.

Submission:

Labcorp Genetics (formerly Invitae), Labcorp
Classification: Uncertain significance for Dyskeratosis congenita. Last evaluated: 2023-12-09. Review status: criteria provided, single submitter. Criteria: Invitae Variant Classification Sherloc (09022015). Collection method: clinical testing. Allele origin: germline.
Comment: This sequence change affects codon 77 of the NHP2 mRNA. It is a 'silent' change, meaning that it does not change the encoded amino acid sequence of the NHP2 protein. It affects a nucleotide within the consensus splice site. This variant is not present in population databases (gnomAD no frequency). This variant has not been reported in the literature in individuals affected with NHP2-related conditions. Algorithms developed to predict the effect of sequence changes on RNA splicing suggest that this variant is not likely to affect RNA splicing. In summary, the available evidence is currently insufficient to determine the role of this variant in disease. Therefore, it has been classified as a Variant of Uncertain Significance.